The following is an entry in ClinVar:

NM_001130987.2(DYSF):c.5457+232C>A

Gene: DYSF (dysferlin; plus strand). Cytogenetic location: 2p13.2.
Variant type: single nucleotide variant.
Coding change: c.5457+232C>A on transcript NM_001130987.2 (MANE Select); 232 bases into the intron after coding-DNA position 5457, C replaced by A.
Molecular consequence: intron variant.
Genome position (GRCh38, 1-based): chr2:71,667,747, C>A. VCF-style: chr2-71667747-C-A. GRCh37 (hg19) VCF-style: chr2-71894877-C-A.
Other names: c.5433+232C>A (NM_001130979.2); c.5454+232C>A (NM_001130981.2); c.5391+232C>A (NM_001130980.2); c.5403+232C>A (NM_001130978.2); c.5340+232C>A (NM_003494.4); c.5361+232C>A (NM_001130977.2); c.5298+232C>A (NM_001130976.2); c.5436+232C>A (NM_001130982.2); and 5 more.
Identifiers: ClinVar variation 680062 (VCV000680062.1), dbSNP rs114501428, ClinGen allele CA49768370.

ClinVar aggregate classification (germline): Likely benign (1 of 4 stars; one submission).

Allele frequency attached by ClinVar (database versions not stated): gnomAD 0.00311 and 0.00336; 1000 Genomes Project 30x 0.00344; TOPMed 0.00345; 1000 Genomes Project 0.00359.
gnomAD v4.1: 465 of 152,280 alleles (0.31%); highest among the groups gnomAD compares: African/African-American, 1.1%; no homozygotes.

Submission:

GeneDx
Classification: Likely benign. Last evaluated: 2018-06-18. Review status: criteria provided, single submitter. Criteria: GeneDx Variant Classification (06012015). Collection method: clinical testing. Allele origin: germline. Affected: yes.
Comment: This variant is considered likely benign or benign based on one or more of the following criteria: it is a conservative change, it occurs at a poorly conserved position in the protein, it is predicted to be benign by multiple in silico algorithms, and/or has population frequency not consistent with disease.